The following is an entry in ClinVar:

ClinVar aggregate classification (germline): Uncertain significance (1 of 4 stars; one submission).

Conditions:
Inborn genetic diseases. Identifiers: MedGen C0950123, MeSH D030342.

gnomAD v4.1: 5 of 1,614,150 alleles (0.00031%); highest among the groups gnomAD compares: Non-Finnish European, 0.00042%; no homozygotes.

Submission:

Ambry Genetics
Classification: Uncertain significance for Inborn genetic diseases. Last evaluated: 2022-01-19. Review status: criteria provided, single submitter. Criteria: Ambry Variant Classification Scheme 2023. Collection method: clinical testing. Allele origin: germline.
Comment: The c.1401+4A>C intronic alteration results from an A to C substitution 4 nucleotides after exon 11 (coding exon 10) of the OPTN gene. Based on data from the Genome Aggregation Database (gnomAD), the c.1401+4A>C alteration was observed in <0.001% (1/251,468) of total alleles studied. A similar alteration impacting the same nucleotide (c.1401+4A>G) was reported once among a cohort of patients with ALS (Del Bo, 2011). This amino acid position is not well conserved in available vertebrate species. In silico splice site analysis predicts that this alteration will not have any significant effect on splicing. Based on insufficient or conflicting evidence, the clinical significance of this alteration remains unclear.

Literature cited by the submitters: PubMed 21613650.

NM_001008212.2(OPTN):c.1401+4A>C

Gene: OPTN (optineurin; plus strand). Cytogenetic location: 10p13.
Variant type: single nucleotide variant.
Coding change: c.1401+4A>C on transcript NM_001008212.2 (MANE Select); 4 bases into the intron after coding-DNA position 1401, A replaced by C.
Molecular consequence: intron variant.
Genome position (GRCh38, 1-based): chr10:13,127,907, A>C. VCF-style: chr10-13127907-A-C. GRCh37 (hg19) VCF-style: chr10-13169907-A-C.
Other names: c.1401+4A>C (NM_001008211.1, NM_001008213.1, NM_021980.4).
Identifiers: ClinVar variation 2224113 (VCV002224113.2), dbSNP rs371470839, ClinGen allele CA5410945.
Genomic context (GRCh38, chr10:13,127,907, plus strand): 5'-CAAACCATTGCCAAGCAGGAAGAGGACCTGGAAACCATGACCATCCTCAGGGCTCAGGTG[A>C]GGCACCTTCCAAAACCCCAGCTGAGCGAGGCCAGCCCTGACTGTATTCTCGCATTGGAAA-3'